The following is an entry in ClinVar:

ClinVar aggregate classification (germline): Uncertain significance. Review status: criteria provided, multiple submitters, no conflicts (2 of 4 stars). 2 submissions from 2 submitters: Uncertain significance (2). Last evaluated 2023-02-16.

Conditions:
Capillary malformation-arteriovenous malformation syndrome. Also called: Capillary malformation-arteriovenous malformation. Identifiers: Orphanet 137667, MedGen C1842180, MONDO:0012016.

Allele frequency attached by ClinVar (database versions not stated): gnomAD 0.00001; gnomAD exomes 0.00001.
gnomAD v4.1: 20 of 1,611,810 alleles (0.0012%); highest among the groups gnomAD compares: African/African-American, 0.0013%; no homozygotes.

Submissions (2):

GeneDx
Classification: Uncertain significance. Last evaluated: 2023-02-16. Review status: criteria provided, single submitter. Criteria: GeneDx Variant Classification Process June 2021. Collection method: clinical testing. Allele origin: germline. Affected: yes.
Comment: Reported as a de novo variant in a patient with a conotruncal heart defect (Jin et al., 2017); Not observed at significant frequency in large population cohorts (gnomAD); In silico analysis supports that this missense variant does not alter protein structure/function; This variant is associated with the following publications: (PMID: 28991257, 32368696)

Labcorp Genetics (formerly Invitae), Labcorp
Classification: Uncertain significance for Capillary malformation-arteriovenous malformation syndrome. Last evaluated: 2023-02-16. Review status: criteria provided, single submitter. Criteria: Invitae Variant Classification Sherloc (09022015). Collection method: clinical testing. Allele origin: germline.
Comment: In summary, the available evidence is currently insufficient to determine the role of this variant in disease. Therefore, it has been classified as a Variant of Uncertain Significance. This sequence change replaces threonine, which is neutral and polar, with methionine, which is neutral and non-polar, at codon 404 of the RASA1 protein (p.Thr404Met). This variant is present in population databases (no rsID available, gnomAD 0.004%). This variant has not been reported in the literature in individuals affected with RASA1-related conditions. An algorithm developed to predict the effect of missense changes on protein structure and function (PolyPhen-2) suggests that this variant is likely to be disruptive.

NM_002890.3(RASA1):c.1211C>T (p.Thr404Met)

Genes: CCNH (cyclin H; minus strand), RASA1 (RAS p21 protein activator 1; plus strand). Cytogenetic location: 5q14.3.
Variant type: single nucleotide variant.
Coding change: c.1211C>T on transcript NM_002890.3 (MANE Select); coding-DNA position 1211, C replaced by T.
Protein change: p.Thr404Met; replaces threonine 404 with methionine.
Molecular consequence: missense variant. On other transcripts: intron variant (1).
Genome position (GRCh38, 1-based): chr5:87,349,322, C>T. VCF-style: chr5-87349322-C-T. GRCh37 (hg19) VCF-style: chr5-86645139-C-T.
Other names: c.680C>T, p.Thr227Met (NM_022650.3); c.934-36527G>A (NM_001364075.2); short protein forms T227M, T404M.
Identifiers: ClinVar variation 2577735 (VCV002577735.4), dbSNP rs1175378445, ClinGen allele CA360363996.